The following is an entry in ClinVar:

NM_020166.5(MCCC1):c.1222C>T (p.Pro408Ser)

Gene: MCCC1 (methylcrotonyl-CoA carboxylase subunit 1; minus strand). Cytogenetic location: 3q27.1.
Variant type: single nucleotide variant.
Coding change: c.1222C>T on transcript NM_020166.5 (MANE Select); coding-DNA position 1222, C replaced by T.
Protein change: p.Pro408Ser; replaces proline 408 with serine.
Molecular consequence: missense variant. On other transcripts: non-coding transcript variant (2).
Genome position (GRCh38, 1-based): chr3:183,041,612, G>A on the plus strand (C>T on the coding strand, the complement: MCCC1 is on the minus strand). VCF-style: chr3-183041612-G-A. GRCh37 (hg19) VCF-style: chr3-182759400-G-A.
Other names: c.871C>T, p.Pro291Ser (NM_001293273.2); c.895C>T, p.Pro299Ser (NM_001363880.1); short protein forms P408S, P299S, P291S.
Identifiers: ClinVar variation 576221 (VCV000576221.8), dbSNP rs1560224165, ClinGen allele CA355322498.

ClinVar aggregate classification (germline): Uncertain significance (1 of 4 stars; one submission).

Conditions:
3-methylcrotonyl-CoA carboxylase 1 deficiency (MCC1D). Also called: MCCD TYPE 1; METHYLCROTONYLGLYCINURIA TYPE I; MCC 1 deficiency; 3 Alpha methylcrotonylglycinuria 1. Identifiers: Orphanet 6, MedGen CN028786, MONDO:0008861, OMIM 210200.

Allele frequency attached by ClinVar (database versions not stated): gnomAD exomes below 0.00001; TOPMed below 0.00001; gnomAD 0.00001.
gnomAD v4.1: 2 of 1,614,046 alleles (0.00012%); highest among the groups gnomAD compares: Non-Finnish European, 0.00017%; no homozygotes.

Submission:

Labcorp Genetics (formerly Invitae), Labcorp
Classification: Uncertain significance for 3-methylcrotonyl-CoA carboxylase 1 deficiency. Last evaluated: 2023-05-11. Review status: criteria provided, single submitter. Criteria: Invitae Variant Classification Sherloc (09022015). Collection method: clinical testing. Allele origin: germline.
Comment: In summary, the available evidence is currently insufficient to determine the role of this variant in disease. Therefore, it has been classified as a Variant of Uncertain Significance. Advanced modeling of protein sequence and biophysical properties (such as structural, functional, and spatial information, amino acid conservation, physicochemical variation, residue mobility, and thermodynamic stability) has been performed at Invitae for this missense variant, however the output from this modeling did not meet the statistical confidence thresholds required to predict the impact of this variant on MCCC1 protein function. ClinVar contains an entry for this variant (Variation ID: 576221). This variant has not been reported in the literature in individuals affected with MCCC1-related conditions. This variant is not present in population databases (gnomAD no frequency). This sequence change replaces proline, which is neutral and non-polar, with serine, which is neutral and polar, at codon 408 of the MCCC1 protein (p.Pro408Ser).